The following is an entry in ClinVar:

NM_000143.4(FH):c.1305G>A (p.Val435=)

Gene: FH (fumarate hydratase; minus strand). Cytogenetic location: 1q43.
Variant type: single nucleotide variant.
Coding change: c.1305G>A on transcript NM_000143.4 (MANE Select); coding-DNA position 1305, G replaced by A.
Protein change: p.Val435=; no amino-acid change (valine 435 retained).
Molecular consequence: synonymous variant.
Genome position (GRCh38, 1-based): chr1:241,500,522, C>T on the plus strand (G>A on the coding strand, the complement: FH is on the minus strand). VCF-style: chr1-241500522-C-T. GRCh37 (hg19) VCF-style: chr1-241663822-C-T.
Identifiers: ClinVar variation 515769 (VCV000515769.13), dbSNP rs772415507, ClinGen allele CA424075503.

ClinVar aggregate classification (germline): Benign/Likely benign. Review status: criteria provided, multiple submitters, no conflicts (2 of 4 stars). 4 submissions from 4 submitters: Benign (1); Likely benign (3). Last evaluated 2024-10-21.

Conditions:
Hereditary cancer-predisposing syndrome. Also called: Tumor predisposition; Hereditary neoplastic syndrome; Hereditary Cancer Syndrome; Neoplastic Syndromes, Hereditary. Identifiers: Orphanet 140162, MedGen C0027672, MeSH D009386, MONDO:0015356.
Hereditary leiomyomatosis and renal cell cancer. Also called: FH tumor predisposition syndrome; Multiple cutaneous leiomyomas; MULTIPLE CUTANEOUS AND UTERINE LEIOMYOMATA 1, WITH OR WITHOUT RENAL CELL CARCINOMA; Reed syndrome; Multiple cutaneous and uterine leiomyomatosis; Cutaneous leiomyomata with uterine leiomyomata. Identifiers: Orphanet 523, MedGen C1708350, MONDO:0007888, OMIM 150800, HP:0007437. Disease mechanism: loss of function.

Allele frequency attached by ClinVar (database versions not stated): gnomAD below 0.00001 and 0.00001; TOPMed below 0.00001.
gnomAD v4.1: 7 of 1,613,326 alleles (0.00043%); highest among the groups gnomAD compares: South Asian, 0.0077%; no homozygotes.

Submissions (4):

Myriad Genetics, Inc.
Classification: Benign for Hereditary leiomyomatosis and renal cell cancer. Last evaluated: 2024-10-21. Review status: criteria provided, single submitter. Criteria: Myriad Autosomal Dominant, Autosomal Recessive and X-Linked Classification Criteria (2023). Collection method: clinical testing. Allele origin: unknown.
Comment: This variant is considered benign. This variant is a silent/synonymous amino acid change and it is not expected to impact splicing.

Labcorp Genetics (formerly Invitae), Labcorp
Classification: Likely benign. Last evaluated: 2024-01-11. Review status: criteria provided, single submitter. Criteria: Invitae Variant Classification Sherloc (09022015). Collection method: clinical testing. Allele origin: germline.

Ambry Genetics
Classification: Likely benign for Hereditary cancer-predisposing syndrome. Last evaluated: 2022-03-29. Review status: criteria provided, single submitter. Criteria: Ambry Variant Classification Scheme 2023. Collection method: clinical testing. Allele origin: germline.

GeneDx
Classification: Likely benign. Last evaluated: 2018-02-22. Review status: criteria provided, single submitter. Criteria: GeneDx Variant Classification (06012015). Collection method: clinical testing. Allele origin: germline. Affected: yes.
Comment: This variant is considered likely benign or benign based on one or more of the following criteria: it is a conservative change, it occurs at a poorly conserved position in the protein, it is predicted to be benign by multiple in silico algorithms, and/or has population frequency not consistent with disease.